The following is an entry in ClinVar:

NM_001077525.3(MTMR14):c.203A>G (p.Asp68Gly)

Gene: MTMR14 (myotubularin related protein 14; plus strand). Cytogenetic location: 3p25.3.
Variant type: single nucleotide variant.
Coding change: c.203A>G on transcript NM_001077525.3 (MANE Select); coding-DNA position 203, A replaced by G.
Protein change: p.Asp68Gly; replaces aspartic acid 68 with glycine.
Molecular consequence: missense variant. On other transcripts: 5 prime UTR variant (14), non-coding transcript variant (8), intron variant (6).
Genome position (GRCh38, 1-based): chr3:9,653,664, A>G. VCF-style: chr3-9653664-A-G. GRCh37 (hg19) VCF-style: chr3-9695348-A-G.
Other names: c.203A>G, p.Asp68Gly (NM_001077526.3, NM_001400519.1, NM_001400520.1 and 9 more transcripts); c.272A>G, p.Asp91Gly (NM_001400518.1, NM_001400521.1, NM_001400526.1); c.-303A>G (NM_001400533.1, NM_001400539.1, NM_001400545.1); c.-364A>G (NM_001400534.1, NM_001400538.1, NM_001400541.1 and 3 more transcripts); c.-331A>G (NM_001400540.1); c.-376A>G (NM_001400544.1); c.-513A>G (NM_001400547.1); c.-437A>G (NM_001400548.1); and 4 more; short protein forms D68G, D91G.
Identifiers: ClinVar variation 2120711 (VCV002120711.4), dbSNP rs2470170837, ClinGen allele CA351804039.
Genomic context (GRCh38, chr3:9,653,664, plus strand): 5'-TCTCCTTCTCTGTGCAGGTTGAGCGCATTGAGAAGAGATGTCTGGAGCTGTTTGGCCGAG[A>G]CTACTGTTTCAGCGTGATTCCAAACACGAATGGGGATATCTGTGGCCACTATCCCCGGCA-3'
Protein context (NP_001070993.1, residues 58-78): EKRCLELFGR[Asp68Gly]YCFSVIPNTN

ClinVar aggregate classification (germline): Uncertain significance (1 of 4 stars; one submission).

Submission:

Labcorp Genetics (formerly Invitae), Labcorp
Classification: Uncertain significance. Last evaluated: 2022-04-01. Review status: criteria provided, single submitter. Criteria: Invitae Variant Classification Sherloc (09022015). Collection method: clinical testing. Allele origin: germline.
Comment: In summary, the available evidence is currently insufficient to determine the role of this variant in disease. Therefore, it has been classified as a Variant of Uncertain Significance. Algorithms developed to predict the effect of missense changes on protein structure and function (SIFT, PolyPhen-2, Align-GVGD) all suggest that this variant is likely to be disruptive. This variant has not been reported in the literature in individuals affected with MTMR14-related conditions. This variant is not present in population databases (gnomAD no frequency). This sequence change replaces aspartic acid, which is acidic and polar, with glycine, which is neutral and non-polar, at codon 68 of the MTMR14 protein (p.Asp68Gly).